The following is an entry in ClinVar:

NM_181672.3(OGT):c.522A>C (p.Glu174Asp)

Gene: OGT (O-linked N-acetylglucosamine (GlcNAc) transferase; plus strand). Cytogenetic location: Xq13.1.
Variant type: single nucleotide variant.
Coding change: c.522A>C on transcript NM_181672.3 (MANE Select); coding-DNA position 522, A replaced by C.
Protein change: p.Glu174Asp; replaces glutamic acid 174 with aspartic acid.
Molecular consequence: missense variant.
Genome position (GRCh38, 1-based): chrX:71,544,626, A>C. VCF-style: chrX-71544626-A-C. GRCh37 (hg19) VCF-style: chrX-70764476-A-C.
Other names: c.492A>C, p.Glu164Asp (NM_181673.3); short protein forms E164D, E174D.
Identifiers: ClinVar variation 3061687 (VCV003061687.3), dbSNP rs2522825614, ClinGen allele CA413539395.

ClinVar aggregate classification (germline): Uncertain significance. Review status: criteria provided, single submitter (1 of 4 stars). 2 submissions from 2 submitters: Uncertain significance (1). 1 of the submissions does not count toward it. Last evaluated 2026-04-11.

Conditions:
OGT-related disorder. Also called: OGT-related condition.

Submissions (2):

GeneDx
Classification: Uncertain significance. Last evaluated: 2026-04-11. Review status: criteria provided, single submitter. Criteria: GeneDx Variant Classification Process June 2021. Collection method: clinical testing. Allele origin: germline.
Comment: Not observed at significant frequency in large population cohorts (gnomAD); In silico analysis suggests that this missense variant does not alter protein structure/function; Has not been previously published as pathogenic or benign to our knowledge

PreventionGenetics, part of Exact Sciences
Classification: Uncertain significance for OGT-related condition. Last evaluated: 2024-02-09. Review status: no assertion criteria provided. Collection method: clinical testing. Allele origin: germline. Not counted in ClinVar's aggregate classification.
Comment: The OGT c.522A>C variant is predicted to result in the amino acid substitution p.Glu174Asp. To our knowledge, this variant has not been reported in the literature or in a large population database, indicating this variant is rare. At this time, the clinical significance of this variant is uncertain due to the absence of conclusive functional and genetic evidence.